The following is an entry in ClinVar:

ClinVar aggregate classification (germline): Uncertain significance. Review status: criteria provided, multiple submitters, no conflicts (2 of 4 stars). 2 submissions from 2 submitters: Uncertain significance (2). Last evaluated 2026-09-05.

Conditions:
Breast-ovarian cancer, familial, susceptibility to, 2 (BROVCA2). Also called: BRCA2 Hereditary Breast and Ovarian Cancer. Identifiers: Orphanet 145, MedGen C2675520, MONDO:0012933, OMIM 612555. Disease mechanism: loss of function.
Hereditary cancer-predisposing syndrome. Also called: Tumor predisposition; Hereditary Cancer Syndrome; Neoplastic Syndromes, Hereditary; Hereditary neoplastic syndrome. Identifiers: Orphanet 140162, MedGen C0027672, MeSH D009386, MONDO:0015356.

Submissions (2):

Ambry Genetics
Classification: Uncertain significance for Hereditary cancer-predisposing syndrome. Last evaluated: 2026-09-05. Review status: criteria provided, single submitter. Criteria: Ambry Variant Classification Scheme 2023. Collection method: clinical testing. Allele origin: germline.
Comment: The p.S1339R variant (also known as c.4015A>C), located in coding exon 10 of the BRCA2 gene, results from an A to C substitution at nucleotide position 4015. The serine at codon 1339 is replaced by arginine, an amino acid with dissimilar properties. This amino acid position is conserved. In addition, this alteration is predicted to be tolerated by in silico analysis. Based on the available evidence, the clinical significance of this variant remains unclear.

All of Us Research Program, National Institutes of Health
Classification: Uncertain significance for Breast-ovarian cancer, familial, susceptibility to, 2. Last evaluated: 2023-05-31. Review status: criteria provided, single submitter. Criteria: ACMG Guidelines, 2015. Collection method: clinical testing. Allele origin: germline. Inheritance: Autosomal dominant inheritance. Observed: 1 variant allele, 1 heterozygote.
Comment: This study involves interpretation of variants in research participants for the purpose of population health screening. Participant phenotype was not available at the time of variant classification. Additional details can be found in publication PMID: 35346344, PMCID: PMC8962531

NM_000059.4(BRCA2):c.4015A>C (p.Ser1339Arg)

Gene: BRCA2 (BRCA2 DNA repair associated; plus strand). Cytogenetic location: 13q13.1.
Variant type: single nucleotide variant.
Coding change: c.4015A>C on transcript NM_000059.4 (MANE Select); coding-DNA position 4015, A replaced by C.
Protein change: p.Ser1339Arg; replaces serine 1339 with arginine.
Molecular consequence: missense variant. On other transcripts: non-coding transcript variant (1), intron variant (2).
Genome position (GRCh38, 1-based): chr13:32,338,370, A>C. VCF-style: chr13-32338370-A-C. GRCh37 (hg19) VCF-style: chr13-32912507-A-C.
Other names: c.4015A>C, p.Ser1339Arg (NM_001406719.1, NM_001406720.1); c.1909+4983A>C (NM_001406721.1); c.425-6188A>C (NM_001406722.1); short protein forms S1339R.
Identifiers: ClinVar variation 3071401 (VCV003071401.2), dbSNP rs2137502094, ClinGen allele CA387779028.
Genomic context (GRCh38, chr13:32,338,370, plus strand): 5'-AATGAAGATAACAAATATACTGCTGCCAGTAGAAATTCTCATAACTTAGAATTTGATGGC[A>C]GTGATTCAAGTAAAAATGATACTGTTTGTATTCATAAAGATGAAACGGACTTGCTATTTA-3'
Protein context (NP_000050.3, residues 1329-1349): RNSHNLEFDG[Ser1339Arg]DSSKNDTVCI